The following is an entry in ClinVar:

NM_152296.5(ATP1A3):c.1931A>T (p.Gln644Leu)

Gene: ATP1A3 (ATPase Na+/K+ transporting subunit alpha 3; minus strand). Cytogenetic location: 19q13.2.
Variant type: single nucleotide variant.
Coding change: c.1931A>T on transcript NM_152296.5 (MANE Select); coding-DNA position 1931, A replaced by T.
Protein change: p.Gln644Leu; replaces glutamine 644 with leucine.
Molecular consequence: missense variant.
Genome position (GRCh38, 1-based): chr19:41,977,948, T>A on the plus strand (A>T on the coding strand, the complement: ATP1A3 is on the minus strand). VCF-style: chr19-41977948-T-A. GRCh37 (hg19) VCF-style: chr19-42482100-T-A.
Other names: c.1964A>T, p.Gln655Leu (NM_001256213.2); c.1970A>T, p.Gln657Leu (NM_001256214.2); short protein forms Q644L, Q655L, Q657L.
Identifiers: ClinVar variation 406190 (VCV000406190.8), dbSNP rs1060500992, ClinGen allele CA16616279.

ClinVar aggregate classification (germline): Uncertain significance (1 of 4 stars; one submission).

Conditions:
Dystonia 12 (DYT12). Also called: DYT-ATP1A3; Rapid-Onset Dystonia-Parkinsonism (RDP). Identifiers: Orphanet 71517, MedGen C1868681, MONDO:0007496, OMIM 128235.

Submission:

Labcorp Genetics (formerly Invitae), Labcorp
Classification: Uncertain significance for Dystonia 12. Last evaluated: 2016-04-01. Review status: criteria provided, single submitter. Criteria: Invitae Variant Classification Sherloc (09022015). Collection method: clinical testing. Allele origin: germline.
Comment: In summary, this variant is a novel missense change with uncertain impact on protein function. It has been classified as a Variant of Uncertain Significance. Algorithms developed to predict the effect of missense changes on protein structure and function do not agree on the potential impact of this missense change (SIFT: "Deleterious"; PolyPhen-2: "Benign"; Align-GVGD: "Class C0"). This variant is not present in population databases (ExAC no frequency) and has not been reported in the literature in individuals with a ATP1A3-related disease. This sequence change replaces glutamine with leucine at codon 644 of the ATP1A3 protein (p.Gln644Leu). The glutamine residue is moderately conserved and there is a moderate physicochemical difference between glutamine and leucine.